The following is an entry in ClinVar:

ClinVar aggregate classification (germline): Uncertain significance. Review status: criteria provided, single submitter (1 of 4 stars). 2 submissions from 2 submitters: Uncertain significance (1). 1 of the submissions does not count toward it. Last evaluated 2022-08-16.

Conditions:
Walker-Warburg congenital muscular dystrophy. Also called: Muscular dystrophy-dystroglycanopathy, type A; Walker-Warburg syndrome. Identifiers: Orphanet 899, MedGen C0265221, MONDO:0000171.
Autosomal recessive limb-girdle muscular dystrophy type 2I. Also called: MUSCULAR DYSTROPHY-DYSTROGLYCANOPATHY (LIMB-GIRDLE), TYPE C, 5; MUSCULAR DYSTROPHY-DYSTROGLYCANOPATHY, LIMB-GIRDLE, FRKP-RELATED; MUSCULAR DYSTROPHY, LIMB-GIRDLE, TYPE 2I. Identifiers: Orphanet 34515, MedGen C1846672, MONDO:0011787, OMIM 607155.

Allele frequency attached by ClinVar (database versions not stated): TOPMed below 0.00001.

Submissions (2):

Labcorp Genetics (formerly Invitae), Labcorp
Classification: Uncertain significance for Walker-Warburg congenital muscular dystrophy. Last evaluated: 2022-08-16. Review status: criteria provided, single submitter. Criteria: Invitae Variant Classification Sherloc (09022015). Collection method: clinical testing. Allele origin: germline.
Comment: This sequence change replaces threonine, which is neutral and polar, with isoleucine, which is neutral and non-polar, at codon 15 of the FKRP protein (p.Thr15Ile). This variant is not present in population databases (gnomAD no frequency). This variant has not been reported in the literature in individuals affected with FKRP-related conditions. ClinVar contains an entry for this variant (Variation ID: 1011264). Algorithms developed to predict the effect of missense changes on protein structure and function output the following: SIFT: "Tolerated"; PolyPhen-2: "Benign"; Align-GVGD: "Class C0". The isoleucine amino acid residue is found in multiple mammalian species, which suggests that this missense change does not adversely affect protein function. In summary, the available evidence is currently insufficient to determine the role of this variant in disease. Therefore, it has been classified as a Variant of Uncertain Significance.

Natera, Inc.
Classification: Uncertain significance for Limb-girdle muscular dystrophy type 2I. Last evaluated: 2025-02-17. Review status: no assertion criteria provided. Collection method: clinical testing. Allele origin: germline. Not counted in ClinVar's aggregate classification.

NM_024301.5(FKRP):c.44C>T (p.Thr15Ile)

Gene: FKRP (fukutin related protein; plus strand). Cytogenetic location: 19q13.32.
Variant type: single nucleotide variant.
Coding change: c.44C>T on transcript NM_024301.5 (MANE Select); coding-DNA position 44, C replaced by T.
Protein change: p.Thr15Ile; replaces threonine 15 with isoleucine.
Molecular consequence: missense variant.
Genome position (GRCh38, 1-based): chr19:46,755,494, C>T. VCF-style: chr19-46755494-C-T. GRCh37 (hg19) VCF-style: chr19-47258751-C-T.
Other names: c.44C>T (NM_024301.4); c.44C>T, p.Thr15Ile (NM_001039885.3); short protein forms T15I.
Identifiers: ClinVar variation 1011264 (VCV001011264.8), dbSNP rs2054889166, ClinGen allele CA406494554.